The following is an entry in ClinVar:

ClinVar aggregate classification (germline): Benign/Likely benign. Review status: criteria provided, multiple submitters, no conflicts (2 of 4 stars). 4 submissions from 4 submitters: Benign (2); Likely benign (1). 1 of the submissions does not count toward it. Last evaluated 2026-01-24.

Conditions:
PACS1-related disorder. Also called: PACS1-related condition.
Schuurs-Hoeijmakers syndrome. Also called: PACS1-Related Neurodevelopmental Disorder. Identifiers: Orphanet 329224, MedGen C3554343, MONDO:0014006, OMIM 615009.

Allele frequency attached by ClinVar (database versions not stated): 1000 Genomes Project 0.00220; TOPMed 0.00265; 1000 Genomes Project 30x 0.00250; ESP Exome Variant Server 0.00300.
gnomAD v4.1: 690 of 1,612,616 alleles (0.043%); highest among the groups gnomAD compares: African/African-American, 0.84%; 3 homozygotes.

Submissions (4):

Labcorp Genetics (formerly Invitae), Labcorp
Classification: Benign for Schuurs-Hoeijmakers syndrome. Last evaluated: 2026-01-24. Review status: criteria provided, single submitter. Criteria: Invitae Variant Classification Sherloc (09022015). Collection method: clinical testing. Allele origin: germline.

GeneDx
Classification: Benign. Last evaluated: 2020-04-06. Review status: criteria provided, single submitter. Criteria: GeneDx Variant Classification Process June 2021. Collection method: clinical testing. Allele origin: germline. Affected: yes.

Genetic Services Laboratory, University of Chicago
Classification: Likely benign. Last evaluated: 2018-12-17. Review status: criteria provided, single submitter. Criteria: ACMG Guidelines, 2015. Collection method: clinical testing. Allele origin: germline. Affected: no.

PreventionGenetics, part of Exact Sciences
Classification: Benign for PACS1-related condition. Last evaluated: 2019-04-10. Review status: no assertion criteria provided. Collection method: clinical testing. Allele origin: germline. Not counted in ClinVar's aggregate classification.
Comment: This variant is classified as benign based on ACMG/AMP sequence variant interpretation guidelines (Richards et al. 2015 PMID: 25741868, with internal and published modifications).

NM_018026.4(PACS1):c.897+9C>G

Gene: PACS1 (phosphofurin acidic cluster sorting protein 1; plus strand). Cytogenetic location: 11q13.2.
Variant type: single nucleotide variant.
Coding change: c.897+9C>G on transcript NM_018026.4 (MANE Select); 9 bases into the intron after coding-DNA position 897, C replaced by G.
Molecular consequence: intron variant.
Genome position (GRCh38, 1-based): chr11:66,216,620, C>G. VCF-style: chr11-66216620-C-G. GRCh37 (hg19) VCF-style: chr11-65984091-C-G.
Identifiers: ClinVar variation 707496 (VCV000707496.17), dbSNP rs184374266, ClinGen allele CA6116370.
Genomic context (GRCh38, chr11:66,216,620, plus strand): 5'-AGAGAGTTTCTCATCAGAACAGGAAGGCAGTGATGATCCATTGCATGGGCAGGTAACTTT[C>G]TGTGGTCCCTCACATGGCGTGTCCAAGAAGCTCCTGGGGTTTCCCACCCTCATTCTGTCC-3'